The following is an entry in ClinVar:

NM_000215.4(JAK3):c.3208-1G>A

Gene: JAK3 (Janus kinase 3; minus strand). Cytogenetic location: 19p13.11.
Variant type: single nucleotide variant.
Coding change: c.3208-1G>A on transcript NM_000215.4 (MANE Select); the canonical splice acceptor site of the intron before coding-DNA position 3208, G replaced by A.
Molecular consequence: splice acceptor variant.
Genome position (GRCh38, 1-based): chr19:17,826,911, C>T on the plus strand (G>A on the coding strand, the complement: JAK3 is on the minus strand). VCF-style: chr19-17826911-C-T. GRCh37 (hg19) VCF-style: chr19-17937720-C-T.
Identifiers: ClinVar variation 1174743 (VCV001174743.13), dbSNP rs1160856608, ClinGen allele CA404763256.

ClinVar aggregate classification (germline): Pathogenic/Likely pathogenic. Review status: criteria provided, multiple submitters, no conflicts (2 of 4 stars). 7 submissions from 7 submitters: Pathogenic (1); Likely pathogenic (3). 3 of the submissions do not count toward it. Last evaluated 2025-04-17.

Conditions:
T-B+ severe combined immunodeficiency due to JAK3 deficiency. Also called: SCID, T CELL-NEGATIVE, B CELL-POSITIVE, NK CELL-NEGATIVE; SCID, autosomal recessive, T-negative/B-positive type. Identifiers: Orphanet 35078, MedGen C1833275, MONDO:0010938, OMIM 600802.
JAK3-related disorder. Also called: JAK3-related condition.

Allele frequency attached by ClinVar (database versions not stated): gnomAD exomes below 0.00001 and 0.00001; gnomAD 0.00001; TOPMed 0.00001.
gnomAD v4.1: 8 of 1,608,170 alleles (0.0005%); highest among the groups gnomAD compares: Admixed American, 0.0017%; no homozygotes.

Submissions (7):

Labcorp Genetics (formerly Invitae), Labcorp
Classification: Pathogenic for T-B+ severe combined immunodeficiency due to JAK3 deficiency. Last evaluated: 2025-04-17. Review status: criteria provided, single submitter. Criteria: Invitae Variant Classification Sherloc (09022015). Collection method: clinical testing. Allele origin: germline.
Comment: This sequence change affects an acceptor splice site in intron 23 of the JAK3 gene. While this variant is not anticipated to result in nonsense mediated decay, it likely alters RNA splicing and results in a disrupted protein product. The frequency data for this variant in the population databases is considered unreliable, as metrics indicate poor data quality at this position in the gnomAD database. Disruption of this splice site has been observed in individual(s) with T-B+NK- severe combined immunodeficiency (PMID: 17433830; internal data). In at least one individual the data is consistent with being in trans (on the opposite chromosome) from a pathogenic variant. ClinVar contains an entry for this variant (Variation ID: 1174743). Variants that disrupt the consensus splice site are a relatively common cause of aberrant splicing (PMID: 17576681, 9536098). Algorithms developed to predict the effect of sequence changes on RNA splicing suggest that this variant may disrupt the consensus splice site. For these reasons, this variant has been classified as Pathogenic.

GeneDx
Classification: Likely pathogenic. Last evaluated: 2025-03-18. Review status: criteria provided, single submitter. Criteria: GeneDx Variant Classification Process June 2021. Collection method: clinical testing. Allele origin: germline. Affected: yes.
Comment: Canonical splice site variant predicted to result in an in-frame loss of the adjacent exon in a gene for which loss of function is a known mechanism of disease; Not observed at significant frequency in large population cohorts (gnomAD); This variant is associated with the following publications: (PMID: 17433830)

Fulgent Genetics
Classification: Likely pathogenic for T-B+ severe combined immunodeficiency due to JAK3 deficiency. Last evaluated: 2024-04-19. Review status: criteria provided, single submitter. Criteria: ACMG Guidelines, 2015. Collection method: clinical testing. Allele origin: germline.

Blueprint Genetics
Classification: Likely pathogenic for JAK3-related disorders. Last evaluated: 2023-09-07. Review status: criteria provided, single submitter. Criteria: ACMG Guidelines, 2015. Collection method: clinical testing. Allele origin: germline. Affected: yes. Observed: 2 variant alleles.

Clinical Genetics DNA and cytogenetics Diagnostics Lab, Erasmus MC, Erasmus Medical Center
Classification: Pathogenic. Review status: no assertion criteria provided. Collection method: clinical testing. Allele origin: germline. Affected: yes. Study: VKGL Data-share Consensus. Not counted in ClinVar's aggregate classification.

Diagnostic Laboratory, Department of Genetics, University Medical Center Groningen
Classification: Pathogenic. Review status: no assertion criteria provided. Collection method: clinical testing. Allele origin: germline. Affected: yes. Study: VKGL Data-share Consensus. Not counted in ClinVar's aggregate classification.

Joint Genome Diagnostic Labs from Nijmegen and Maastricht, Radboudumc and MUMC+
Classification: Pathogenic. Review status: no assertion criteria provided. Collection method: clinical testing. Allele origin: germline. Affected: yes. Study: VKGL Data-share Consensus. Not counted in ClinVar's aggregate classification.

Literature cited by the submitters: PubMed 17433830 (cited by Labcorp Genetics (formerly Invitae), Labcorp); PubMed 17576681 (cited by Labcorp Genetics (formerly Invitae), Labcorp); PubMed 9536098 (cited by Labcorp Genetics (formerly Invitae), Labcorp).